The following is an entry in ClinVar:

ClinVar aggregate classification (germline): Uncertain significance (1 of 4 stars; one submission).

Conditions:
Familial temporal lobe epilepsy 7. Identifiers: Orphanet 101046, MedGen C4225327, MONDO:0014639, OMIM 616436.
Norman-Roberts syndrome (LIS2). Also called: Lissencephaly 2 (Norman-Roberts type). Identifiers: Orphanet 89844, MedGen C0796089, MONDO:0009760, OMIM 257320.

Allele frequency attached by ClinVar (database versions not stated): gnomAD exomes below 0.00001; TOPMed below 0.00001; ExAC 0.00001.
gnomAD v4.1: 7 of 1,613,988 alleles (0.00043%); highest among the groups gnomAD compares: Admixed American, 0.0017%; no homozygotes.

Submission:

Labcorp Genetics (formerly Invitae), Labcorp
Classification: Uncertain significance for Familial temporal lobe epilepsy 7; Norman-Roberts syndrome. Last evaluated: 2018-12-08. Review status: criteria provided, single submitter. Criteria: Invitae Variant Classification Sherloc (09022015). Collection method: clinical testing. Allele origin: germline.
Comment: Algorithms developed to predict the effect of missense changes on protein structure and function are either unavailable or do not agree on the potential impact of this missense change (SIFT: "Deleterious"; PolyPhen-2: "Benign"; Align-GVGD: "Class C0"). This variant has not been reported in the literature in individuals with RELN-related conditions. In summary, the available evidence is currently insufficient to determine the role of this variant in disease. Therefore, it has been classified as a Variant of Uncertain Significance. This variant is present in population databases (rs765433534, ExAC 0.009%). This sequence change replaces alanine with valine at codon 2937 of the RELN protein (p.Ala2937Val). The alanine residue is highly conserved and there is a small physicochemical difference between alanine and valine.

NM_005045.4(RELN):c.8810C>T (p.Ala2937Val)

Genes: SLC26A5-AS1 (SLC26A5 antisense RNA 1; plus strand), RELN (reelin; minus strand). Cytogenetic location: 7q22.1.
Variant type: single nucleotide variant.
Coding change: c.8810C>T on transcript NM_005045.4 (MANE Select); coding-DNA position 8810, C replaced by T.
Protein change: p.Ala2937Val; replaces alanine 2937 with valine.
Molecular consequence: missense variant.
Genome position (GRCh38, 1-based): chr7:103,498,110, G>A on the plus strand (C>T on the coding strand, the complement: RELN is on the minus strand). VCF-style: chr7-103498110-G-A. GRCh37 (hg19) VCF-style: chr7-103138557-G-A.
Other names: c.8810C>T, p.Ala2937Val (NM_173054.3); short protein forms A2937V.
Identifiers: ClinVar variation 640963 (VCV000640963.8), dbSNP rs765433534, ClinGen allele CA4420382.